The following is an entry in ClinVar:

ClinVar aggregate classification (germline): Uncertain significance (1 of 4 stars; one submission).

Conditions:
Retinoblastoma (RB1). Also called: RETINOBLASTOMA, SOMATIC. Identifiers: Orphanet 790, MedGen C0035335, MeSH D012175, MONDO:0008380, OMIM 180200, HP:0009919. Disease mechanism: loss of function. Inheritance: Both sporadic and heritable forms are tested..

Submission:

Labcorp Genetics (formerly Invitae), Labcorp
Classification: Uncertain significance for Retinoblastoma. Last evaluated: 2025-01-21. Review status: criteria provided, single submitter. Criteria: Invitae Variant Classification Sherloc (09022015). Collection method: clinical testing. Allele origin: germline.
Comment: This sequence change replaces alanine, which is neutral and non-polar, with valine, which is neutral and non-polar, at codon 106 of the RB1 protein (p.Ala106Val). This variant is not present in population databases (gnomAD no frequency). This variant has not been reported in the literature in individuals affected with RB1-related conditions. ClinVar contains an entry for this variant (Variation ID: 2995911). Invitae Evidence Modeling of protein sequence and biophysical properties (such as structural, functional, and spatial information, amino acid conservation, physicochemical variation, residue mobility, and thermodynamic stability) indicates that this missense variant is not expected to disrupt RB1 protein function with a negative predictive value of 80%. In summary, the available evidence is currently insufficient to determine the role of this variant in disease. Therefore, it has been classified as a Variant of Uncertain Significance.

NM_000321.3(RB1):c.317C>T (p.Ala106Val)

Gene: RB1 (RB transcriptional corepressor 1; plus strand). Cytogenetic location: 13q14.2.
Variant type: single nucleotide variant.
Coding change: c.317C>T on transcript NM_000321.3 (MANE Select); coding-DNA position 317, C replaced by T.
Protein change: p.Ala106Val; replaces alanine 106 with valine.
Molecular consequence: missense variant.
Genome position (GRCh38, 1-based): chr13:48,342,651, C>T. VCF-style: chr13-48342651-C-T. GRCh37 (hg19) VCF-style: chr13-48916787-C-T.
Other names: c.317C>T, p.Ala106Val (NM_001407165.1, NM_001407166.1); short protein forms A106V.
Identifiers: ClinVar variation 2995911 (VCV002995911.3), dbSNP rs2138083790, ClinGen allele CA388252432.